The following is an entry in ClinVar:

ClinVar aggregate classification (germline): Likely benign (1 of 4 stars; one submission).

gnomAD v4.1: 16 of 1,612,348 alleles (0.00099%); highest among the groups gnomAD compares: South Asian, 0.016%; no homozygotes.

Submission:

CeGaT Center for Human Genetics Tuebingen
Classification: Likely benign. Last evaluated: 2026-05-01. Review status: criteria provided, single submitter. Criteria: CeGaT Center For Human Genetics Tuebingen Variant Classification Criteria Version 2. Collection method: clinical testing. Allele origin: germline. Affected: yes. Observed: 1 variant allele.
Comment: LMNB1: BP4, BP7

NM_005573.4(LMNB1):c.858C>T (p.Val286=)

Gene: LMNB1 (lamin B1; plus strand). Cytogenetic location: 5q23.2.
Variant type: single nucleotide variant.
Coding change: c.858C>T on transcript NM_005573.4 (MANE Select); coding-DNA position 858, C replaced by T.
Protein change: p.Val286=; no amino-acid change (valine 286 retained).
Molecular consequence: synonymous variant. On other transcripts: non-coding transcript variant (2).
Genome position (GRCh38, 1-based): chr5:126,811,817, C>T. VCF-style: chr5-126811817-C-T. GRCh37 (hg19) VCF-style: chr5-126147509-C-T.
Other names: c.228C>T, p.Val76= (NM_001198557.2).
Identifiers: ClinVar variation 4873492 (VCV004873492.2).